The following is an entry in ClinVar:

NM_006267.5(RANBP2):c.73-1G>T

Gene: RANBP2 (RAN binding protein 2; plus strand). Cytogenetic location: 2q13.
Variant type: single nucleotide variant.
Coding change: c.73-1G>T on transcript NM_006267.5 (MANE Select); the canonical splice acceptor site of the intron before coding-DNA position 73, G replaced by T.
Molecular consequence: splice acceptor variant. On other transcripts: intron variant (1).
Genome position (GRCh38, 1-based): chr2:108,729,131, G>T. VCF-style: chr2-108729131-G-T. GRCh37 (hg19) VCF-style: chr2-109345587-G-T.
Other names: c.73-1G>T (NM_001415871.1, NM_001415873.1); c.73-4G>T (NM_001415872.1).
Identifiers: ClinVar variation 2506874 (VCV002506874.1), dbSNP rs1470243501, ClinGen allele CA348036230.

ClinVar aggregate classification (germline): Uncertain significance (1 of 4 stars; one submission).

Submission:

GeneDx
Classification: Uncertain significance. Last evaluated: 2022-12-23. Review status: criteria provided, single submitter. Criteria: GeneDx Variant Classification Process June 2021. Collection method: clinical testing. Allele origin: germline. Affected: yes.
Comment: Not observed at significant frequency in large population cohorts (gnomAD); Canonical splice site variant in a gene or region of a gene for which loss of function is not a well-established mechanism of disease; Has not been previously published as pathogenic or benign to our knowledge